The following is an entry in ClinVar:

NM_000092.5(COL4A4):c.2110G>A (p.Gly704Arg)

Gene: COL4A4 (collagen type IV alpha 4 chain; minus strand). Cytogenetic location: 2q36.3.
Variant type: single nucleotide variant.
Coding change: c.2110G>A on transcript NM_000092.5 (MANE Select); coding-DNA position 2110, G replaced by A.
Protein change: p.Gly704Arg; replaces glycine 704 with arginine.
Molecular consequence: missense variant.
Genome position (GRCh38, 1-based): chr2:227,060,190, C>T on the plus strand (G>A on the coding strand, the complement: COL4A4 is on the minus strand). VCF-style: chr2-227060190-C-T. GRCh37 (hg19) VCF-style: chr2-227924906-C-T.
Other names: short protein forms G704R.
Identifiers: ClinVar variation 447185 (VCV000447185.4), dbSNP rs1379525680, ClinGen allele CA350842365.
Genomic context (GRCh38, chr2:227,060,190, plus strand): 5'-ACTGACCAGGTGGACCTGGTATTTCCGCTGTTCCTGGTGTGCCAGGTCTGCCTTTATGCC[C>T]ATCTGAACCACTCAGCCCAGGGGCACCTTGGGGACCTGGAAATCCCTTCGGACCTAAACA-3'
Protein context (NP_000083.3, residues 694-714): QGAPGLSGSD[Gly704Arg]HKGRPGTPGT

ClinVar aggregate classification (germline): Conflicting classifications of pathogenicity. Review status: criteria provided, conflicting classifications (1 of 4 stars). 3 submissions from 3 submitters: Pathogenic (1); Likely pathogenic (1); Uncertain significance (1). Last evaluated 2025-09-04.

Conditions:
Alport syndrome. Also called: Hemorrhagic familial nephritis; Hemorrhagic hereditary nephritis; Congenital hereditary hematuria. Identifiers: Orphanet 63, MedGen C1567741, MONDO:0018965.

Allele frequency attached by ClinVar (database versions not stated): gnomAD exomes below 0.00001.
gnomAD v4.1: 1 of 1,609,314 alleles (0.000062%); highest among the groups gnomAD compares: South Asian, 0.0011%; no homozygotes.

Submissions (3):

Natera, Inc.
Classification: Likely pathogenic for Alport syndrome. Last evaluated: 2025-09-04. Review status: criteria provided, single submitter. Criteria: Natera Variant Classification Schema (03/2026). Collection method: clinical testing. Allele origin: germline.
Comment: The c.2110G>A variant in COL4A4 is a missense variant predicted to cause substitution of glycine to arginine at amino acid 704. This variant is rare in the general population with a frequency below the threshold expected for the associated phenotype(s). This variant is located in a functionally critical region of the protein. Computational prediction algorithms indicate this variant is likely to affect gene or protein function. Given the available evidence, this variant is classified as Likely Pathogenic.

Labcorp Genetics (formerly Invitae), Labcorp
Classification: Uncertain significance. Last evaluated: 2024-11-12. Review status: criteria provided, single submitter. Criteria: Invitae Variant Classification Sherloc (09022015). Collection method: clinical testing. Allele origin: germline.
Comment: This sequence change replaces glycine, which is neutral and non-polar, with arginine, which is basic and polar, at codon 704 of the COL4A4 protein (p.Gly704Arg). This variant is not present in population databases (gnomAD no frequency). This variant has not been reported in the literature in individuals affected with COL4A4-related conditions. ClinVar contains an entry for this variant (Variation ID: 447185). Invitae Evidence Modeling of protein sequence and biophysical properties (such as structural, functional, and spatial information, amino acid conservation, physicochemical variation, residue mobility, and thermodynamic stability) indicates that this missense variant is expected to disrupt COL4A4 protein function with a positive predictive value of 95%. In summary, the available evidence is currently insufficient to determine the role of this variant in disease. Therefore, it has been classified as a Variant of Uncertain Significance.

Athena Diagnostics
Classification: Pathogenic. Last evaluated: 2016-08-31. Review status: criteria provided, single submitter. Criteria: Athena Diagnostics Criteria. Collection method: clinical testing. Allele origin: germline.